The following is an entry in ClinVar:

ClinVar aggregate classification (germline): Benign/Likely benign. Review status: criteria provided, multiple submitters, no conflicts (2 of 4 stars). 4 submissions from 4 submitters: Benign (1); Likely benign (3). Last evaluated 2025-09-01.

Conditions:
46,XX ovarian dysgenesis-short stature syndrome (ODG4). Also called: OVARIAN DYSGENESIS 4. Identifiers: Orphanet 444048, MedGen C4015409, MONDO:0014520, OMIM 616185.

Allele frequency attached by ClinVar (database versions not stated): 1000 Genomes Project 0.00120; 1000 Genomes Project 30x 0.00156; ExAC 0.00261; gnomAD exomes 0.00363 and 0.00715; TOPMed 0.00457; gnomAD 0.00458 and 0.00474.
gnomAD v4.1: 10,554 of 1,535,628 alleles (0.69%); highest among the groups gnomAD compares: Non-Finnish European, 0.83%; 54 homozygotes.

Submissions (4):

CeGaT Center for Human Genetics Tuebingen
Classification: Likely benign. Last evaluated: 2025-09-01. Review status: criteria provided, single submitter. Criteria: CeGaT Center For Human Genetics Tuebingen Variant Classification Criteria Version 2. Collection method: clinical testing. Allele origin: germline. Affected: yes. Observed: 3 variant alleles.
Comment: MCM9: BP4, BP7, BS2

Blueprint Genetics
Classification: Likely benign. Last evaluated: 2024-11-15. Review status: criteria provided, single submitter. Criteria: ACMG Guidelines, 2015. Collection method: clinical testing. Allele origin: germline.

Fulgent Genetics
Classification: Likely benign for 46,XX ovarian dysgenesis-short stature syndrome. Last evaluated: 2022-05-09. Review status: criteria provided, single submitter. Criteria: ACMG Guidelines, 2015. Collection method: clinical testing. Allele origin: unknown.

Labcorp Genetics (formerly Invitae), Labcorp
Classification: Benign. Last evaluated: 2019-12-31. Review status: criteria provided, single submitter. Criteria: Invitae Variant Classification Sherloc (09022015). Collection method: clinical testing. Allele origin: germline.

NM_017696.3(MCM9):c.1272G>A (p.Arg424=)

Gene: MCM9 (minichromosome maintenance 9 homologous recombination repair factor; minus strand). Cytogenetic location: 6q22.31.
Variant type: single nucleotide variant.
Coding change: c.1272G>A on transcript NM_017696.3 (MANE Select); coding-DNA position 1272, G replaced by A.
Protein change: p.Arg424=; no amino-acid change (arginine 424 retained).
Molecular consequence: synonymous variant.
Genome position (GRCh38, 1-based): chr6:118,856,424, C>T on the plus strand (G>A on the coding strand, the complement: MCM9 is on the minus strand). VCF-style: chr6-118856424-C-T. GRCh37 (hg19) VCF-style: chr6-119177587-C-T.
Other names: c.1272G>A, p.Arg424= (NM_001378356.1, NM_001378357.1, NM_001378359.1 and 2 more transcripts); c.1146G>A, p.Arg382= (NM_001378366.1); c.1074G>A, p.Arg358= (NM_001378367.1).
Identifiers: ClinVar variation 789184 (VCV000789184.30), dbSNP rs151149424, ClinGen allele CA3978385.